The following is an entry in ClinVar:

NM_001397346.1(TPRX1):c.843A>G (p.Pro281=)

Gene: TPRX1 (tetrapeptide repeat homeobox 1; minus strand). Cytogenetic location: 19q13.33.
Variant type: single nucleotide variant.
Coding change: c.843A>G on transcript NM_001397346.1 (MANE Select); coding-DNA position 843, A replaced by G.
Protein change: p.Pro281=; no amino-acid change (proline 281 retained).
Molecular consequence: synonymous variant.
Genome position (GRCh38, 1-based): chr19:47,802,333, T>C on the plus strand (A>G on the coding strand, the complement: TPRX1 is on the minus strand). VCF-style: chr19-47802333-T-C. GRCh37 (hg19) VCF-style: chr19-48305590-T-C.
Other names: c.969A>G, p.Pro323= (NM_198479.3).
Identifiers: ClinVar variation 2650193 (VCV002650193.24), dbSNP rs12461263, ClinGen allele CA9544133.
Genomic context (GRCh38, chr19:47,802,333, plus strand): 5'-CGGGCCTGAGATTGGGCCTGGGATCGGGCCTGGGTTCGGGCCTGAGATTGGGCCTGGGAT[T>C]GGGCCTGGGATCGGGCCTGGGTTTGGGCCTGAGATTGGGCCTGAGATTGGGCCTGGGATC-3'
Protein context (NP_001384275.1, residues 271-291): SGPNPGPIPG[Pro281=]IPGPISGPNP

ClinVar aggregate classification (germline): Likely benign (1 of 4 stars; one submission).

Allele frequency attached by ClinVar (database versions not stated): gnomAD exomes 0.00020.

Submission:

CeGaT Center for Human Genetics Tuebingen
Classification: Likely benign. Last evaluated: 2026-09-01. Review status: criteria provided, single submitter. Criteria: CeGaT Center For Human Genetics Tuebingen Variant Classification Criteria Version 2. Collection method: clinical testing. Allele origin: germline. Affected: yes. Observed: 4 variant alleles.
Comment: TPRX1: BP4, BP7